The following is an entry in ClinVar:

NM_004168.4(SDHA):c.423C>T (p.Tyr141=)

Gene: SDHA (succinate dehydrogenase complex flavoprotein subunit A; plus strand). Cytogenetic location: 5p15.33.
Variant type: single nucleotide variant.
Coding change: c.423C>T on transcript NM_004168.4 (MANE Select); coding-DNA position 423, C replaced by T.
Protein change: p.Tyr141=; no amino-acid change (tyrosine 141 retained).
Molecular consequence: synonymous variant. On other transcripts: intron variant (1).
Genome position (GRCh38, 1-based): chr5:225,529, C>T. VCF-style: chr5-225529-C-T. GRCh37 (hg19) VCF-style: chr5-225644-C-T.
Other names: c.423C>T, p.Tyr141= (NM_001330758.2); c.313-354C>T (NM_001294332.2).
Identifiers: ClinVar variation 239667 (VCV000239667.18), dbSNP rs768897373, ClinGen allele CA3172813.

ClinVar aggregate classification (germline): Benign/Likely benign. Review status: criteria provided, multiple submitters, no conflicts (2 of 4 stars). 4 submissions from 4 submitters: Benign (1); Likely benign (3). Last evaluated 2025-11-16.

Conditions:
Mitochondrial complex II deficiency, nuclear type 1. Also called: SUCCINATE CoQ REDUCTASE DEFICIENCY. Identifiers: Orphanet 3208, MedGen C5700310, MONDO:0100294, OMIM 252011.
Pheochromocytoma/paraganglioma syndrome 5. Also called: Paragangliomas 5; SDHA-Related Hereditary Paraganglioma-Pheochromocytoma Syndrome. Identifiers: Orphanet 29072, MedGen C3279992, MONDO:0013602, OMIM 614165.
Hereditary cancer-predisposing syndrome. Also called: Neoplastic Syndromes, Hereditary; Hereditary Cancer Syndrome; Tumor predisposition; Hereditary neoplastic syndrome. Identifiers: Orphanet 140162, MedGen C0027672, MeSH D009386, MONDO:0015356.

Allele frequency attached by ClinVar (database versions not stated): gnomAD exomes below 0.00001 and 0.00001; ExAC 0.00001; gnomAD 0.00001; TOPMed 0.00001.
gnomAD v4.1: 18 of 1,613,818 alleles (0.0011%); highest among the groups gnomAD compares: Non-Finnish European, 0.0015%; no homozygotes.

Submissions (4):

Labcorp Genetics (formerly Invitae), Labcorp
Classification: Likely benign for Pheochromocytoma/paraganglioma syndrome 5; Mitochondrial complex II deficiency, nuclear type 1. Last evaluated: 2025-11-16. Review status: criteria provided, single submitter. Criteria: Invitae Variant Classification Sherloc (09022015). Collection method: clinical testing. Allele origin: germline.

Myriad Genetics, Inc.
Classification: Benign for Pheochromocytoma/paraganglioma syndrome 5. Last evaluated: 2025-02-28. Review status: criteria provided, single submitter. Criteria: Myriad Autosomal Dominant, Autosomal Recessive and X-Linked Classification Criteria (2023). Collection method: clinical testing. Allele origin: unknown.
Comment: This variant is considered benign. This variant is a silent/synonymous amino acid change and it is not expected to impact splicing.

Blueprint Genetics
Classification: Likely benign. Last evaluated: 2024-11-13. Review status: criteria provided, single submitter. Criteria: ACMG Guidelines, 2015. Collection method: clinical testing. Allele origin: germline.

Ambry Genetics
Classification: Likely benign for Hereditary cancer-predisposing syndrome. Last evaluated: 2016-03-22. Review status: criteria provided, single submitter. Criteria: Ambry Variant Classification Scheme 2023. Collection method: clinical testing. Allele origin: germline.